The following is an entry in ClinVar:

ClinVar aggregate classification (germline): Pathogenic. Review status: reviewed by expert panel (3 of 4 stars). 2 submissions from 2 submitters: Pathogenic (1). 1 of the submissions does not count toward it. Last evaluated 2016-10-18.

Conditions:
Breast-ovarian cancer, familial, susceptibility to, 2 (BROVCA2). Also called: BRCA2 Hereditary Breast and Ovarian Cancer. Identifiers: Orphanet 145, MedGen C2675520, MONDO:0012933, OMIM 612555. Disease mechanism: loss of function.

Submissions (2):

Evidence-based Network for the Interpretation of Germline Mutant Alleles (ENIGMA)
Classification: Pathogenic for Breast-ovarian cancer, familial, susceptibility to, 2. Last evaluated: 2016-10-18. Review status: reviewed by expert panel. Criteria: ENIGMA BRCA1/2 Classification Criteria (2015). Collection method: curation. Allele origin: germline.
Comment: Variant allele predicted to encode a truncated non-functional protein.

Consortium of Investigators of Modifiers of BRCA1/2 (CIMBA), c/o University of Cambridge
Classification: Pathogenic for Breast-ovarian cancer, familial, susceptibility to, 2. Last evaluated: 2015-10-02. Review status: criteria provided, single submitter. Criteria: CIMBA Mutation Classification guidelines May 2016. Collection method: clinical testing. Allele origin: germline. Not counted in ClinVar's aggregate classification.

NM_000059.4(BRCA2):c.6353_6366del (p.Val2118fs)

Gene: BRCA2 (BRCA2 DNA repair associated; plus strand). Cytogenetic location: 13q13.1.
Variant type: Deletion.
Coding change: c.6353_6366del on transcript NM_000059.4 (MANE Select); coding-DNA positions 6353 to 6366, 14 bases deleted (TAAACTCAGAAATG).
Protein change: p.Val2118fs; shifts the reading frame from valine 2118.
Molecular consequence: frameshift variant.
Genome position (GRCh38, 1-based): chr13:32,340,708-32,340,721, TAAACTCAGAAATG deleted; deleting any 14 consecutive bases within chr13:32,340,706-32,340,721 gives the same sequence; the c. name uses the placement nearest the transcript's 3' end. VCF-style (leftmost placement, unchanged base first): chr13-32340705-GTGTAAACTCAGAAA-G. GRCh37 (hg19) VCF-style: chr13-32914842-GTGTAAACTCAGAAA-G.
Other names: 6581_6594del14; c.6353_6366del14 (NM_000059.3).
Identifiers: ClinVar variation 52072 (VCV000052072.7), dbSNP rs397507844, ClinGen allele CA023946.